The following is an entry in ClinVar:

NM_000143.4(FH):c.1280C>T (p.Ser427Leu)

Gene: FH (fumarate hydratase; minus strand). Cytogenetic location: 1q43.
Variant type: single nucleotide variant.
Coding change: c.1280C>T on transcript NM_000143.4 (MANE Select); coding-DNA position 1280, C replaced by T.
Protein change: p.Ser427Leu; replaces serine 427 with leucine.
Molecular consequence: missense variant.
Genome position (GRCh38, 1-based): chr1:241,500,547, G>A on the plus strand (C>T on the coding strand, the complement: FH is on the minus strand). VCF-style: chr1-241500547-G-A. GRCh37 (hg19) VCF-style: chr1-241663847-G-A.
Other names: short protein forms S427L.
Identifiers: ClinVar variation 818783 (VCV000818783.9), dbSNP rs1573878095, ClinGen allele CA345436781.
Genomic context (GRCh38, chr1:241,500,547, plus strand): 5'-TTGTTGATCCTTTCTGTATTGGCCTGGATTCCCACCACGCAGTTTTCTGTAAAGGAAACT[G>A]AAGCATCCCCCAGCAGCCTGGCTGAGTGTAACACATTTTTAATCTTTGAGTGAGTGAGAG-3'
Protein context (NP_000134.2, residues 417-437): LHSARLLGDA[Ser427Leu]VSFTENCVVG

ClinVar aggregate classification (germline): Uncertain significance. Review status: criteria provided, multiple submitters, no conflicts (2 of 4 stars). 2 submissions from 2 submitters: Uncertain significance (2). Last evaluated 2022-08-07.

Conditions:
Hereditary cancer-predisposing syndrome. Also called: Tumor predisposition; Hereditary neoplastic syndrome; Neoplastic Syndromes, Hereditary; Hereditary Cancer Syndrome. Identifiers: Orphanet 140162, MedGen C0027672, MeSH D009386, MONDO:0015356.

Allele frequency attached by ClinVar (database versions not stated): gnomAD exomes below 0.00001.
gnomAD v4.1: 1 of 1,612,448 alleles (0.000062%); highest among the groups gnomAD compares: Non-Finnish European, 0.000085%; no homozygotes.

Submissions (2):

Labcorp Genetics (formerly Invitae), Labcorp
Classification: Uncertain significance. Last evaluated: 2022-08-07. Review status: criteria provided, single submitter. Criteria: Invitae Variant Classification Sherloc (09022015). Collection method: clinical testing. Allele origin: germline.
Comment: Advanced modeling of protein sequence and biophysical properties (such as structural, functional, and spatial information, amino acid conservation, physicochemical variation, residue mobility, and thermodynamic stability) performed at Invitae indicates that this missense variant is not expected to disrupt FH protein function. ClinVar contains an entry for this variant (Variation ID: 818783). This variant has not been reported in the literature in individuals affected with FH-related conditions. This variant is not present in population databases (gnomAD no frequency). This sequence change replaces serine, which is neutral and polar, with leucine, which is neutral and non-polar, at codon 427 of the FH protein (p.Ser427Leu). In summary, the available evidence is currently insufficient to determine the role of this variant in disease. Therefore, it has been classified as a Variant of Uncertain Significance. Algorithms developed to predict the effect of sequence changes on RNA splicing suggest that this variant may create or strengthen a splice site.

Ambry Genetics
Classification: Uncertain significance for Hereditary cancer-predisposing syndrome. Last evaluated: 2019-07-12. Review status: criteria provided, single submitter. Criteria: Ambry Variant Classification Scheme 2023. Collection method: clinical testing. Allele origin: germline.
Comment: The p.S427L variant (also known as c.1280C>T), located in coding exon 9 of the FH gene, results from a C to T substitution at nucleotide position 1280. The serine at codon 427 is replaced by leucine, an amino acid with dissimilar properties. This amino acid position is poorly conserved in available vertebrate species. In addition, the in silico prediction for this alteration is inconclusive. Since supporting evidence is limited at this time, the clinical significance of this alteration remains unclear.